The following is an entry in ClinVar:

ClinVar aggregate classification (germline): Uncertain significance (1 of 4 stars; one submission).

Conditions:
Inborn genetic diseases. Identifiers: MedGen C0950123, MeSH D030342.

Submission:

Ambry Genetics
Classification: Uncertain significance for Inborn genetic diseases. Last evaluated: 2025-07-07. Review status: criteria provided, single submitter. Criteria: Ambry Variant Classification Scheme 2023. Collection method: clinical testing. Allele origin: germline.
Comment: The p.A882P variant (also known as c.2644G>C), located in coding exon 15 of the RECQL4 gene, results from a G to C substitution at nucleotide position 2644. The alanine at codon 882 is replaced by proline, an amino acid with highly similar properties. This amino acid position is conserved. In addition, this alteration is predicted to be tolerated by in silico analysis. Based on the available evidence, the clinical significance of this variant remains unclear.

NM_004260.4(RECQL4):c.2644G>C (p.Ala882Pro)

Gene: RECQL4 (RecQ like helicase 4; minus strand). Cytogenetic location: 8q24.3.
Variant type: single nucleotide variant.
Coding change: c.2644G>C on transcript NM_004260.4 (MANE Select); coding-DNA position 2644, G replaced by C.
Protein change: p.Ala882Pro; replaces alanine 882 with proline.
Molecular consequence: missense variant. On other transcripts: non-coding transcript variant (3).
Genome position (GRCh38, 1-based): chr8:144,512,958, C>G on the plus strand (G>C on the coding strand, the complement: RECQL4 is on the minus strand). VCF-style: chr8-144512958-C-G. GRCh37 (hg19) VCF-style: chr8-145738341-C-G.
Other names: c.1375G>C, p.Ala459Pro (NM_001413038.1, NM_001413031.1); c.2614G>C, p.Ala872Pro (NM_001413039.1); c.1573G>C, p.Ala525Pro (NM_001413040.1, NM_001413021.1, NM_001413022.1 and 5 more transcripts); c.1507G>C, p.Ala503Pro (NM_001413041.1, NM_001413027.1, NM_001413030.1 and 1 more transcripts); c.1543G>C, p.Ala515Pro (NM_001413042.1); c.1177G>C, p.Ala393Pro (NM_001413043.1); c.2350G>C, p.Ala784Pro (NM_001413017.1); c.2446G>C, p.Ala816Pro (NM_001413018.1); and 6 more; short protein forms A503P, A393P, A765P, A784P, A816P, A459P, A481P, A515P.
Identifiers: ClinVar variation 4152375 (VCV004152375.1).